The following is an entry in ClinVar:

NM_004522.3(KIF5C):c.1_3del (p.Met1del)

Gene: KIF5C (kinesin family member 5C; plus strand). Cytogenetic location: 2q23.1.
Variant type: Deletion.
Coding change: c.1_3del on transcript NM_004522.3 (MANE Select); coding-DNA positions 1 to 3, 3 bases deleted (ATG; older notation c.1_3delATG).
Protein change: p.Met1del; deletes methionine 1.
Molecular consequence: inframe deletion, initiator codon variant.
Genome position (GRCh38, 1-based): chr2:148,875,618-148,875,620, ATG deleted; deleting any 3 consecutive bases within chr2:148,875,617-148,875,620 gives the same sequence; the c. name uses the placement nearest the transcript's 3' end. VCF-style (leftmost placement, unchanged base first): chr2-148875616-AGAT-A. GRCh37 (hg19) VCF-style: chr2-149633185-AGAT-A.
Other names: short protein forms M1del.
Identifiers: ClinVar variation 2430517 (VCV002430517.2), dbSNP rs2468129311, ClinGen allele CA2580063859.

ClinVar aggregate classification (germline): Uncertain significance (1 of 4 stars; one submission).

Submission:

GeneDx
Classification: Uncertain significance. Last evaluated: 2022-08-23. Review status: criteria provided, single submitter. Criteria: GeneDx Variant Classification Process June 2021. Collection method: clinical testing. Allele origin: germline. Affected: yes.
Comment: Not observed at significant frequency in large population cohorts (gnomAD); Initiation codon variant in a gene for which loss of function is not a known mechanism of disease; Has not been previously published as pathogenic or benign to our knowledge